The following is an entry in ClinVar:

NM_000501.4(ELN):c.1088C>T (p.Ala363Val)

Gene: ELN (elastin; plus strand). Cytogenetic location: 7q11.23.
Variant type: single nucleotide variant.
Coding change: c.1088C>T on transcript NM_000501.4 (MANE Select); coding-DNA position 1088, C replaced by T.
Protein change: p.Ala363Val; replaces alanine 363 with valine.
Molecular consequence: missense variant.
Genome position (GRCh38, 1-based): chr7:74,053,301, C>T. VCF-style: chr7-74053301-C-T. GRCh37 (hg19) VCF-style: chr7-73467631-C-T.
Other names: c.1058C>T, p.Ala353Val (NM_001081752.3, NM_001278917.2); c.1103C>T, p.Ala368Val (NM_001081753.3, NM_001081754.3); c.1088C>T, p.Ala363Val (NM_001081755.3, NM_001278912.2, NM_001278915.2 and 1 more transcripts); c.980C>T, p.Ala327Val (NM_001278913.2); c.1073C>T, p.Ala358Val (NM_001278914.2); c.1046C>T, p.Ala349Val (NM_001278916.2); c.956C>T, p.Ala319Val (NM_001278918.2); c.1088C>T (NM_000501.2); short protein forms A319V, A353V, A358V, A327V, A363V, A368V, A349V.
Identifiers: ClinVar variation 2186940 (VCV002186940.5), dbSNP rs571843793, ClinGen allele CA4292822.
Genomic context (GRCh38, chr7:74,053,301, plus strand): 5'-GTGTTGGTGTCCCAGGAGCTGGGATTCCAGTTGTCCCAGGTGCTGGGATCCCAGGTGCTG[C>T]GGTTCCAGGTGAGCTGGGCTGTGTGTGTGTGTGTGTGTGTGTGTGTGTGTGTGTGTGTAT-3'
Protein context (NP_000492.2, residues 353-373): VVPGAGIPGA[Ala363Val]VPGVVSPEAA

ClinVar aggregate classification (germline): Uncertain significance. Review status: criteria provided, multiple submitters, no conflicts (2 of 4 stars). 2 submissions from 2 submitters: Uncertain significance (2). Last evaluated 2025-04-29.

Conditions:
Inborn genetic diseases. Identifiers: MedGen C0950123, MeSH D030342.
Supravalvar aortic stenosis (SVAS). Also called: Supravalvar aortic stenosis, Eisenberg type. Identifiers: Orphanet 3193, MedGen C0003499, MONDO:0008504, OMIM 185500, HP:0004381.

Allele frequency attached by ClinVar (database versions not stated): ExAC 0.00002; gnomAD 0.00003; TOPMed 0.00003; 1000 Genomes Project 0.00020.
gnomAD v4.1: 60 of 1,610,356 alleles (0.0037%); highest among the groups gnomAD compares: East Asian, 0.022%; no homozygotes.

Submissions (2):

Labcorp Genetics (formerly Invitae), Labcorp
Classification: Uncertain significance for Supravalvar aortic stenosis. Last evaluated: 2025-04-29. Review status: criteria provided, single submitter. Criteria: Invitae Variant Classification Sherloc (09022015). Collection method: clinical testing. Allele origin: germline.
Comment: This sequence change replaces alanine, which is neutral and non-polar, with valine, which is neutral and non-polar, at codon 363 of the ELN protein (p.Ala363Val). This variant is present in population databases (rs571843793, gnomAD 0.04%). This variant has not been reported in the literature in individuals affected with ELN-related conditions. ClinVar contains an entry for this variant (Variation ID: 2186940). Invitae Evidence Modeling of protein sequence and biophysical properties (such as structural, functional, and spatial information, amino acid conservation, physicochemical variation, residue mobility, and thermodynamic stability) indicates that this missense variant is not expected to disrupt ELN protein function with a negative predictive value of 80%. In summary, the available evidence is currently insufficient to determine the role of this variant in disease. Therefore, it has been classified as a Variant of Uncertain Significance.

Ambry Genetics
Classification: Uncertain significance for Inborn genetic diseases. Last evaluated: 2024-05-15. Review status: criteria provided, single submitter. Criteria: Ambry Variant Classification Scheme 2023. Collection method: clinical testing. Allele origin: germline.